The following is an entry in ClinVar:

NM_004655.4(AXIN2):c.429C>T (p.Ser143=)

Gene: AXIN2 (axin 2; minus strand). Cytogenetic location: 17q24.1.
Variant type: single nucleotide variant.
Coding change: c.429C>T on transcript NM_004655.4 (MANE Select); coding-DNA position 429, C replaced by T.
Protein change: p.Ser143=; no amino-acid change (serine 143 retained).
Molecular consequence: synonymous variant.
Genome position (GRCh38, 1-based): chr17:65,558,192, G>A on the plus strand (C>T on the coding strand, the complement: AXIN2 is on the minus strand). VCF-style: chr17-65558192-G-A. GRCh37 (hg19) VCF-style: chr17-63554310-G-A.
Other names: c.429C>T, p.Ser143= (NM_001363813.1).
Identifiers: ClinVar variation 1976749 (VCV001976749.7), dbSNP rs2144586186, ClinGen allele CA501691783.

ClinVar aggregate classification (germline): Benign/Likely benign. Review status: criteria provided, multiple submitters, no conflicts (2 of 4 stars). 3 submissions from 3 submitters: Benign (1); Likely benign (2). Last evaluated 2024-06-26.

Conditions:
Hereditary cancer-predisposing syndrome. Also called: Hereditary Cancer Syndrome; Neoplastic Syndromes, Hereditary; Tumor predisposition; Hereditary neoplastic syndrome. Identifiers: Orphanet 140162, MedGen C0027672, MeSH D009386, MONDO:0015356.
Oligodontia-cancer predisposition syndrome. Also called: TOOTH AGENESIS-COLORECTAL CANCER SYNDROME. Identifiers: Orphanet 300576, MedGen C1837750, MONDO:0012075, OMIM 608615. Disease mechanism: loss of function.

Submissions (3):

Myriad Genetics, Inc.
Classification: Benign for Oligodontia-cancer predisposition syndrome. Last evaluated: 2024-06-26. Review status: criteria provided, single submitter. Criteria: Myriad Autosomal Dominant, Autosomal Recessive and X-Linked Classification Criteria (2023). Collection method: clinical testing. Allele origin: unknown.
Comment: This variant is considered benign. This variant is a silent/synonymous amino acid change and it is not expected to impact splicing.

Ambry Genetics
Classification: Likely benign for Hereditary cancer-predisposing syndrome. Last evaluated: 2024-03-13. Review status: criteria provided, single submitter. Criteria: Ambry Variant Classification Scheme 2023. Collection method: clinical testing. Allele origin: germline.

Labcorp Genetics (formerly Invitae), Labcorp
Classification: Likely benign for Oligodontia-cancer predisposition syndrome. Last evaluated: 2022-03-26. Review status: criteria provided, single submitter. Criteria: Invitae Variant Classification Sherloc (09022015). Collection method: clinical testing. Allele origin: germline.